The following is an entry in ClinVar:

NC_000002.11:g.(?_215590369)_(215617280_215632205)del

Gene: BARD1 (BRCA1 associated RING domain 1; minus strand). Cytogenetic location: 2q35.
Variant type: Deletion.
Identifiers: ClinVar variation 2581332 (VCV002581332.1).

ClinVar aggregate classification (germline): Pathogenic (1 of 4 stars; one submission).

Conditions:
Malignant tumor of breast. Also called: Malignant breast neoplasm; Cancer breast. Identifiers: MedGen C0006142, MONDO:0007254. Disease mechanism: loss of function.

Submission:

Women's Health and Genetics/Laboratory Corporation of America, LabCorp
Classification: Pathogenic for Malignant tumor of breast. Last evaluated: 2023-08-24. Review status: criteria provided, single submitter. Criteria: LabCorp Variant Classification Summary - May 2015. Collection method: clinical testing. Allele origin: germline.
Comment: Variant summary: The variant identified by MLPA or other technology involves the deletion of exons 7-11 in the BARD1 gene, which includes the last exon as well as both BRCT domains (IPR001357) of the encoded protein sequence. The exact breakpoint at the 3' end of this variant is unknown, and therefore this deletion might extend downstream of the assayed region of the gene. A presumed nomenclature of c.(1568+1_1569-1)_(*3031_?)del has been designated for the purposes of this classification. Although exact breakpoints of this deletion are not known, it is not expected to cause nonsense mediated decay (NMD), but is predicted to cause a large truncation of the encoded protein. Truncating variants within the deleted region, including those predicted to result in NMD (c.1690C>T) as well as those predicted to escape NMD (c.1935_1954dup), have been classified as pathogenic by our lab. The variant was absent in 21226 control chromosomes (gnomAD Structural Variants dataset). A variant resulting in a similar BARD1 deletion that affects exons 7-11 has been reported in the literature in an individual affected with Hereditary Breast Cancer (e.g., Rofes_2021). The following publication was ascertained in the context of this evaluation (PMID: 33498765). Three submitters have reported clinical-significance assessments for similar variants leading to deletion of exons 7-11 to ClinVar after 2014. All submitters classified the variant as pathogenic. Based on the evidence outlined above, the variant was classified as pathogenic.

Literature cited by the submitters: PubMed 33498765.